The following is an entry in ClinVar:

NM_001349253.2(SCN11A):c.1102-8del

Gene: SCN11A (sodium voltage-gated channel alpha subunit 11; minus strand). Cytogenetic location: 3p22.2.
Variant type: Deletion.
Coding change: c.1102-8del on transcript NM_001349253.2 (MANE Select); 8 bases into the intron before coding-DNA position 1102, one base deleted (C; older notation c.1102-8delC).
Molecular consequence: intron variant.
Genome position (GRCh38, 1-based): chr3:38,909,202, G deleted on the plus strand (C on the coding strand, the reverse complement: SCN11A is on the minus strand); the first of 2 consecutive G bases (chr3:38,909,202-38,909,203); deleting either gives the same sequence. VCF-style (leftmost placement, unchanged base first): chr3-38909201-AG-A. GRCh37 (hg19) VCF-style: chr3-38950692-AG-A.
Other names: c.1102-8del (NM_014139.3).
Identifiers: ClinVar variation 5041529 (VCV005041529.1).

ClinVar aggregate classification (germline): Uncertain significance (1 of 4 stars; one submission).

Submission:

CeGaT Center for Human Genetics Tuebingen
Classification: Uncertain significance. Last evaluated: 2026-09-01. Review status: criteria provided, single submitter. Criteria: CeGaT Center For Human Genetics Tuebingen Variant Classification Criteria Version 2. Collection method: clinical testing. Allele origin: germline. Affected: yes. Observed: 1 variant allele.
Comment: SCN11A: PM2, BP4